The following is an entry in ClinVar:

NM_001243133.2(NLRP3):c.2807A>G (p.His936Arg)

Gene: NLRP3 (NLR family pyrin domain containing 3; plus strand). Cytogenetic location: 1q44.
Variant type: single nucleotide variant.
Coding change: c.2807A>G on transcript NM_001243133.2 (MANE Select); coding-DNA position 2807, A replaced by G.
Protein change: p.His936Arg; replaces histidine 936 with arginine.
Molecular consequence: missense variant.
Genome position (GRCh38, 1-based): chr1:247,444,115, A>G. VCF-style: chr1-247444115-A-G. GRCh37 (hg19) VCF-style: chr1-247607417-A-G.
Other names: c.2807A>G, p.His936Arg (NM_001079821.3); c.2636A>G, p.His879Arg (NM_001127461.3, NM_001127462.3); c.2813A>G, p.His938Arg (NM_004895.5); c.2465A>G, p.His822Arg (NM_183395.3); short protein forms H938R, H936R, H822R, H879R.
Identifiers: ClinVar variation 666018 (VCV000666018.10), dbSNP rs1329217260, ClinGen allele CA345565285.

ClinVar aggregate classification (germline): Uncertain significance (1 of 4 stars; one submission).

Conditions:
Cryopyrin associated periodic syndrome (CAPS). Identifiers: Orphanet 208650, MedGen C2316212, MONDO:0016168.

Allele frequency attached by ClinVar (database versions not stated): TOPMed below 0.00001; gnomAD 0.00001.
gnomAD v4.1: 1 of 1,614,016 alleles (0.000062%); highest among the groups gnomAD compares: African/African-American, 0.0013%; no homozygotes.

Submission:

Labcorp Genetics (formerly Invitae), Labcorp
Classification: Uncertain significance for Cryopyrin associated periodic syndrome. Last evaluated: 2019-11-09. Review status: criteria provided, single submitter. Criteria: Invitae Variant Classification Sherloc (09022015). Collection method: clinical testing. Allele origin: germline.
Comment: This variant has not been reported in the literature in individuals with NLRP3-related conditions. Algorithms developed to predict the effect of missense changes on protein structure and function (SIFT, PolyPhen-2, Align-GVGD) all suggest that this variant is likely to be tolerated, but these predictions have not been confirmed by published functional studies and their clinical significance is uncertain. In summary, the available evidence is currently insufficient to determine the role of this variant in disease. Therefore, it has been classified as a Variant of Uncertain Significance. This variant is not present in population databases (ExAC no frequency). This sequence change replaces histidine with arginine at codon 938 of the NLRP3 protein (p.His938Arg). The histidine residue is moderately conserved and there is a small physicochemical difference between histidine and arginine.